The following is an entry in ClinVar:

NM_001044385.3(TMEM237):c.*962A>C

Gene: TMEM237 (transmembrane protein 237; minus strand). Cytogenetic location: 2q33.1.
Variant type: single nucleotide variant.
Coding change: c.*962A>C on transcript NM_001044385.3 (MANE Select); 962 bases downstream of the stop codon, A replaced by C.
Molecular consequence: 3 prime UTR variant.
Genome position (GRCh38, 1-based): chr2:201,623,293, T>G on the plus strand (A>C on the coding strand, the complement: TMEM237 is on the minus strand). VCF-style: chr2-201623293-T-G. GRCh37 (hg19) VCF-style: chr2-202488016-T-G.
Other names: c.*962A>C (NM_152388.4).
Identifiers: ClinVar variation 896187 (VCV000896187.28), dbSNP rs142403941, ClinGen allele CA63949534.
Genomic context (GRCh38, chr2:201,623,293, plus strand): 5'-TGTGCTCAACAGCCTTTGAAACATTTTTTCCCATAGCTAGTCTTCTCCTCAACTTGAGCT[T>G]TAGGGTCTCATATACAACAGCTGAGGTACCATTGGATATAGTTCTGAAGAGATCTTTCCC-3'

ClinVar aggregate classification (germline): Conflicting classifications of pathogenicity. Review status: criteria provided, conflicting classifications (1 of 4 stars). 2 submissions from 2 submitters: Uncertain significance (1); Likely benign (1). Last evaluated 2023-06-01.

Conditions:
Joubert syndrome 14 (JBTS14). Identifiers: MedGen C3280766, MONDO:0013745, OMIM 614424.

Allele frequency attached by ClinVar (database versions not stated): 1000 Genomes Project 0.00120; 1000 Genomes Project 30x 0.00125; TOPMed 0.00331; gnomAD 0.00462 and 0.00484; gnomAD exomes 0.00463.

Submissions (2):

CeGaT Center for Human Genetics Tuebingen
Classification: Likely benign. Last evaluated: 2023-06-01. Review status: criteria provided, single submitter. Criteria: CeGaT Center For Human Genetics Tuebingen Variant Classification Criteria Version 2. Collection method: clinical testing. Allele origin: germline. Affected: yes. Observed: 3 variant alleles.
Comment: TMEM237: BS2

Illumina Laboratory Services, Illumina
Classification: Uncertain significance for Joubert syndrome 14. Last evaluated: 2018-01-13. Review status: criteria provided, single submitter. Criteria: ICSL Variant Classification Criteria 13 December 2019. Collection method: clinical testing. Allele origin: germline.